The following is an entry in ClinVar:

NM_006996.3(SLC19A2):c.1223C>T (p.Thr408Ile)

Gene: SLC19A2 (solute carrier family 19 member 2; minus strand). Cytogenetic location: 1q24.2.
Variant type: single nucleotide variant.
Coding change: c.1223C>T on transcript NM_006996.3 (MANE Select); coding-DNA position 1223, C replaced by T.
Protein change: p.Thr408Ile; replaces threonine 408 with isoleucine.
Molecular consequence: missense variant.
Genome position (GRCh38, 1-based): chr1:169,468,644, G>A on the plus strand (C>T on the coding strand, the complement: SLC19A2 is on the minus strand). VCF-style: chr1-169468644-G-A. GRCh37 (hg19) VCF-style: chr1-169437882-G-A.
Other names: c.620C>T, p.Thr207Ile (NM_001319667.1); short protein forms T207I, T408I.
Identifiers: ClinVar variation 3253267 (VCV003253267.1), dbSNP rs765684661.

ClinVar aggregate classification (germline): Uncertain significance (1 of 4 stars; one submission).

Allele frequency attached by ClinVar (database versions not stated): ExAC 0.00001; gnomAD 0.00001; TOPMed 0.00001; gnomAD exomes 0.00003.
gnomAD v4.1: 39 of 1,612,874 alleles (0.0024%); highest among the groups gnomAD compares: African/African-American, 0.0053%; no homozygotes.

Submission:

GeneDx
Classification: Uncertain significance. Last evaluated: 2024-05-31. Review status: criteria provided, single submitter. Criteria: GeneDx Variant Classification Process June 2021. Collection method: clinical testing. Allele origin: germline. Affected: yes.
Comment: Not observed at significant frequency in large population cohorts (gnomAD); In silico analysis indicates that this missense variant does not alter protein structure/function; Has not been previously published as pathogenic or benign to our knowledge